The following is an entry in ClinVar:

NM_000243.3(MEFV):c.490A>C (p.Lys164Gln)

Gene: MEFV (MEFV innate immunity regulator, pyrin; minus strand). Cytogenetic location: 16p13.3.
Variant type: single nucleotide variant.
Coding change: c.490A>C on transcript NM_000243.3 (MANE Select); coding-DNA position 490, A replaced by C.
Protein change: p.Lys164Gln; replaces lysine 164 with glutamine.
Molecular consequence: missense variant. On other transcripts: intron variant (1).
Genome position (GRCh38, 1-based): chr16:3,254,578, T>G on the plus strand (A>C on the coding strand, the complement: MEFV is on the minus strand). VCF-style: chr16-3254578-T-G. GRCh37 (hg19) VCF-style: chr16-3304578-T-G.
Other names: c.277+1733A>C (NM_001198536.2); short protein forms K164Q.
Identifiers: ClinVar variation 811962 (VCV000811962.19), dbSNP rs1306636942, ClinGen allele CA394481205.

ClinVar aggregate classification (germline): Conflicting classifications of pathogenicity. Review status: criteria provided, conflicting classifications (1 of 4 stars). 6 submissions from 4 submitters: Uncertain significance (4); Likely benign (2). Last evaluated 2023-02-08.

Conditions:
Familial Mediterranean fever (FMF). Also called: POLYSEROSITIS, FAMILIAL PAROXYSMAL; POLYSEROSITIS, RECURRENT; Periodic peritonitis; Benign paroxysmal peritonitis. Identifiers: Orphanet 342, MedGen C0031069, MONDO:0018088, OMIM 249100. Disease mechanism: gain of function.
Acute febrile neutrophilic dermatosis (AFND). Also called: Sweet Syndrome; Gomm Button disease. Identifiers: Orphanet 3243, MedGen C0085077, MONDO:0011959, OMIM 608068.
Familial Mediterranean fever, autosomal dominant. Also called: Dominant Familial Mediterranean Fever; FMF, AUTOSOMAL DOMINANT. Identifiers: Orphanet 342, MedGen C1851347, MONDO:0007601, OMIM 134610.

Allele frequency attached by ClinVar (database versions not stated): gnomAD exomes below 0.00001; TOPMed 0.00001; gnomAD 0.00001.
gnomAD v4.1: 2 of 1,585,650 alleles (0.00013%); highest among the groups gnomAD compares: Non-Finnish European, 0.00017%; no homozygotes.

Submissions (6):

Genome-Nilou Lab
Classification: Uncertain significance for Familial Mediterranean fever. Last evaluated: 2023-02-08. Review status: criteria provided, single submitter. Criteria: ACMG Guidelines, 2015. Collection method: clinical testing. Allele origin: germline.

Genome-Nilou Lab
Classification: Likely benign for Familial Mediterranean fever, autosomal dominant. Last evaluated: 2023-02-08. Review status: criteria provided, single submitter. Criteria: ACMG Guidelines, 2015. Collection method: clinical testing. Allele origin: germline.

Genome-Nilou Lab
Classification: Likely benign for Acute febrile neutrophilic dermatosis. Last evaluated: 2023-02-08. Review status: criteria provided, single submitter. Criteria: ACMG Guidelines, 2015. Collection method: clinical testing. Allele origin: germline.

Fulgent Genetics
Classification: Uncertain significance for Familial Mediterranean fever, autosomal dominant; Familial Mediterranean fever; Acute febrile neutrophilic dermatosis. Last evaluated: 2022-05-25. Review status: criteria provided, single submitter. Criteria: ACMG Guidelines, 2015. Collection method: clinical testing. Allele origin: unknown.

Labcorp Genetics (formerly Invitae), Labcorp
Classification: Uncertain significance for Familial Mediterranean fever. Last evaluated: 2019-04-11. Review status: criteria provided, single submitter. Criteria: Invitae Variant Classification Sherloc (09022015). Collection method: clinical testing. Allele origin: germline.
Comment: This sequence change replaces lysine with glutamine at codon 164 of the MEFV protein (p.Lys164Gln). The lysine residue is weakly conserved and there is a small physicochemical difference between lysine and glutamine. This variant is not present in population databases (ExAC no frequency). This variant has not been reported in the literature in individuals with MEFV-related conditions. Algorithms developed to predict the effect of missense changes on protein structure and function are either unavailable or do not agree on the potential impact of this missense change (SIFT: "Tolerated"; PolyPhen-2: "Possibly Damaging"; Align-GVGD: "Class C0"). In summary, the available evidence is currently insufficient to determine the role of this variant in disease. Therefore, it has been classified as a Variant of Uncertain Significance.

ARUP Laboratories, Molecular Genetics and Genomics, ARUP Laboratories
Classification: Uncertain significance. Last evaluated: 2019-04-02. Review status: criteria provided, single submitter. Criteria: ARUP Molecular Germline Variant Investigation Process. Collection method: clinical testing. Allele origin: germline.
Comment: The MEFV c.490A>C; p.Lys164Gln variant (rs1306636942), to our knowledge, is not reported in the medical literature or gene-specific databases. The variant is reported in 2 out of 31308 alleles in the Genome Aggregation Database, indicating it is not a common polymorphism. The amino acid at this position is moderately conserved and computational algorithms (PolyPhen-2, SIFT) predict this variant is tolerated. Due to limited information, the clinical significance of the variant is uncertain at this time.